The following is an entry in ClinVar:

NM_000384.3(APOB):c.10324C>A (p.Gln3442Lys)

Gene: APOB (apolipoprotein B; minus strand). Cytogenetic location: 2p24.1.
Variant type: single nucleotide variant.
Coding change: c.10324C>A on transcript NM_000384.3 (MANE Select); coding-DNA position 10324, C replaced by A.
Protein change: p.Gln3442Lys; replaces glutamine 3442 with lysine.
Molecular consequence: missense variant.
Genome position (GRCh38, 1-based): chr2:21,006,544, G>T on the plus strand (C>A on the coding strand, the complement: APOB is on the minus strand). VCF-style: chr2-21006544-G-T. GRCh37 (hg19) VCF-style: chr2-21229416-G-T.
Other names: short protein forms Q3442K.
Identifiers: ClinVar variation 895221 (VCV000895221.9), dbSNP rs1663143963, ClinGen allele CA345986781.

ClinVar aggregate classification (germline): Uncertain significance. Review status: criteria provided, multiple submitters, no conflicts (2 of 4 stars). 5 submissions from 4 submitters: Uncertain significance (5). Last evaluated 2025-07-11.

Conditions:
Cardiovascular phenotype. Identifiers: MedGen CN230736.
Familial hypobetalipoproteinemia 1. Also called: APOB-Related Familial Hypobetalipoproteinemia; Hypobetalipoproteinemia, normotriglyceridemic; Acanthocytosis with hypobetalipoproteinemia. Identifiers: MedGen C4551990, MONDO:0014252, OMIM 615558.
Hypercholesterolemia, autosomal dominant, type B (FHCL2). Also called: Hyperlipoproteinemia Type IIb; APOLIPOPROTEIN B-100, FAMILIAL DEFECTIVE; APOLIPOPROTEIN B-100, FAMILIAL LIGAND-DEFECTIVE; HYPERCHOLESTEROLEMIA, FAMILIAL, DUE TO LIGAND-DEFECTIVE APOLIPOPROTEIN B; APOB-Related Familial Hypercholesterolemia, Autosomal Dominant; Familial Hypercholesterolemia Type B. Identifiers: MedGen C1704417, MONDO:0007751, OMIM 144010.

Allele frequency attached by ClinVar (database versions not stated): TOPMed below 0.00001; gnomAD exomes 0.00001.
gnomAD v4.1: 5 of 1,614,094 alleles (0.00031%); highest among the groups gnomAD compares: Non-Finnish European, 0.00042%; no homozygotes.

Submissions (5):

Ambry Genetics
Classification: Uncertain significance for Cardiovascular phenotype. Last evaluated: 2025-07-11. Review status: criteria provided, single submitter. Criteria: Ambry Variant Classification Scheme 2023. Collection method: clinical testing. Allele origin: germline.
Comment: The p.Q3442K variant (also known as c.10324C>A), located in coding exon 26 of the APOB gene, results from a C to A substitution at nucleotide position 10324. The glutamine at codon 3442 is replaced by lysine, an amino acid with similar properties. This variant was reported in individual(s) with features consistent with familial hypercholesterolemia (Ambry internal data). This amino acid position is highly conserved in available vertebrate species. In addition, the in silico prediction for this alteration is inconclusive. Based on the available evidence, the clinical significance of this variant remains unclear.

GeneDx
Classification: Uncertain significance. Last evaluated: 2022-12-21. Review status: criteria provided, single submitter. Criteria: GeneDx Variant Classification Process June 2021. Collection method: clinical testing. Allele origin: germline. Affected: yes.
Comment: Not observed at significant frequency in large population cohorts (gnomAD); In silico analysis supports that this missense variant has a deleterious effect on protein structure/function; Has not been previously published as pathogenic or benign to our knowledge

Fulgent Genetics
Classification: Uncertain significance for Hypercholesterolemia, autosomal dominant, type B; Familial hypobetalipoproteinemia 1. Last evaluated: 2021-09-07. Review status: criteria provided, single submitter. Criteria: ACMG Guidelines, 2015. Collection method: clinical testing. Allele origin: unknown.

Illumina Laboratory Services, Illumina
Classification: Uncertain significance for Hypercholesterolemia, autosomal dominant, type B. Last evaluated: 2018-01-13. Review status: criteria provided, single submitter. Criteria: ICSL Variant Classification Criteria 13 December 2019. Collection method: clinical testing. Allele origin: germline.

Illumina Laboratory Services, Illumina
Classification: Uncertain significance for Familial hypobetalipoproteinemia 1. Last evaluated: 2018-01-13. Review status: criteria provided, single submitter. Criteria: ICSL Variant Classification Criteria 13 December 2019. Collection method: clinical testing. Allele origin: germline.